The following is an entry in ClinVar:

ClinVar aggregate classification (germline): Pathogenic (1 of 4 stars; one submission).

Submission:

Labcorp Genetics (formerly Invitae), Labcorp
Classification: Pathogenic. Last evaluated: 2023-01-16. Review status: criteria provided, single submitter. Criteria: Invitae Variant Classification Sherloc (09022015). Collection method: clinical testing. Allele origin: germline.
Comment: This sequence change creates a premature translational stop signal (p.Pro392Argfs*92) in the TG gene. It is expected to result in an absent or disrupted protein product. Loss-of-function variants in TG are known to be pathogenic (PMID: 19837936, 23164529). This variant is not present in population databases (gnomAD no frequency). This variant has not been reported in the literature in individuals affected with TG-related conditions. For these reasons, this variant has been classified as Pathogenic.

Literature cited by the submitters: PubMed 19837936; PubMed 23164529.

NM_003235.5(TG):c.1175_1176del (p.Pro392fs)

Gene: TG (thyroglobulin; plus strand). Cytogenetic location: 8q24.22.
Variant type: Deletion.
Coding change: c.1175_1176del on transcript NM_003235.5 (MANE Select); coding-DNA positions 1175 to 1176, 2 bases deleted (CA; older notation c.1175_1176delCA).
Protein change: p.Pro392fs; shifts the reading frame from proline 392.
Molecular consequence: frameshift variant.
Genome position (GRCh38, 1-based): chr8:132,886,547-132,886,548, CA deleted. VCF-style (leftmost placement, unchanged base first): chr8-132886546-CCA-C. GRCh37 (hg19) VCF-style: chr8-133898791-CCA-C.
Other names: short protein forms P392fs.
Identifiers: ClinVar variation 2829107 (VCV002829107.3), dbSNP rs2489806092, ClinGen allele CA2739268985.